The following is an entry in ClinVar:

NM_006348.5(COG5):c.2400_2403dup (p.Val802fs)

Gene: COG5 (component of oligomeric golgi complex 5; minus strand). Cytogenetic location: 7q22.3.
Variant type: Duplication.
Coding change: c.2400_2403dup on transcript NM_006348.5 (MANE Select); coding-DNA positions 2400 to 2403, 4 bases duplicated (ATCA; older notation c.2400_2403dupATCA).
Protein change: p.Val802fs; shifts the reading frame from valine 802.
Molecular consequence: frameshift variant.
Genome position (GRCh38, 1-based): chr7:107,203,603-107,203,606, TGAT duplicated on the plus strand (ATCA on the coding strand, the reverse complement: COG5 is on the minus strand); duplicating any 4 consecutive bases within chr7:107,203,603-107,203,609 gives the same sequence; the c. name uses the placement nearest the transcript's 3' end. VCF-style (leftmost placement, unchanged base first): chr7-107203602-C-CTGAT. GRCh37 (hg19) VCF-style: chr7-106844047-C-CTGAT.
Other names: c.2238_2241dup, p.Val748fs (NM_001379511.1); c.2226_2229dup, p.Val744fs (NM_001379512.1); c.2193_2196dup, p.Val733fs (NM_001379513.1); c.2085_2088dup, p.Val697fs (NM_001379514.1); c.1830_1833dup, p.Val612fs (NM_001379515.1); c.1686_1689dup, p.Val564fs (NM_001379516.1); c.2337_2340dup, p.Val781fs (NM_181733.4); c.2493_2496dupATCA (NM_006348.3); short protein forms V564fs, V697fs, V744fs, V802fs, V733fs, V748fs, V781fs, V612fs.
Identifiers: ClinVar variation 817509 (VCV000817509.3), dbSNP rs760015202, ClinGen allele CA831127229.

ClinVar aggregate classification (germline): Likely pathogenic (1 of 4 stars; one submission).

Submission:

GeneDx
Classification: Likely pathogenic. Last evaluated: 2022-01-25. Review status: criteria provided, single submitter. Criteria: GeneDx Variant Classification Process June 2021. Collection method: clinical testing. Allele origin: germline. Affected: yes.
Comment: Frameshift variant predicted to result in protein truncation, as the last 28 amino acids are replaced with 4 different amino acids, and other loss-of-function variants have been reported downstream in HGMD; Not observed at significant frequency in large population cohorts (gnomAD); Has not been previously published as pathogenic or benign to our knowledge